The following is an entry in ClinVar:

ClinVar aggregate classification (germline): Uncertain significance (1 of 4 stars; one submission).

Conditions:
Inborn genetic diseases. Identifiers: MedGen C0950123, MeSH D030342.

Submission:

Ambry Genetics
Classification: Uncertain significance for Inborn genetic diseases. Last evaluated: 2021-04-08. Review status: criteria provided, single submitter. Criteria: Ambry Variant Classification Scheme 2023. Collection method: clinical testing. Allele origin: germline.
Comment: The p.E1481G variant (also known as c.4442A>G), located in coding exon 41 of the KIF1A gene, results from an A to G substitution at nucleotide position 4442. The glutamic acid at codon 1481 is replaced by glycine, an amino acid with similar properties. This amino acid position is highly conserved in available vertebrate species. In addition, the in silico prediction for this alteration is inconclusive. Since supporting evidence is limited at this time, the clinical significance of this alteration remains unclear.

NM_001244008.2(KIF1A):c.4442A>G (p.Glu1481Gly)

Gene: KIF1A (kinesin family member 1A; minus strand). Cytogenetic location: 2q37.3.
Variant type: single nucleotide variant.
Coding change: c.4442A>G on transcript NM_001244008.2 (MANE Select); coding-DNA position 4442, A replaced by G.
Protein change: p.Glu1481Gly; replaces glutamic acid 1481 with glycine.
Molecular consequence: missense variant.
Genome position (GRCh38, 1-based): chr2:240,723,435, T>C on the plus strand (A>G on the coding strand, the complement: KIF1A is on the minus strand). VCF-style: chr2-240723435-T-C. GRCh37 (hg19) VCF-style: chr2-241662852-T-C.
Other names: c.4166A>G, p.Glu1389Gly (NM_001320705.2, NM_001379649.1); c.4193A>G, p.Glu1398Gly (NM_001330289.2); c.4241A>G, p.Glu1414Gly (NM_001330290.2, NM_001379648.1); c.4517A>G, p.Glu1506Gly (NM_001379631.1); c.4418A>G, p.Glu1473Gly (NM_001379632.1); c.4415A>G, p.Glu1472Gly (NM_001379633.1, NM_001379645.1); c.4268A>G, p.Glu1423Gly (NM_001379634.1); c.4265A>G, p.Glu1422Gly (NM_001379635.1, NM_001379646.1); and 7 more; short protein forms E1389G, E1398G, E1506G, E1405G, E1472G, E1380G, E1397G, E1418G.
Identifiers: ClinVar variation 1740633 (VCV001740633.2), dbSNP rs2125604605, ClinGen allele CA351305101.